The following is an entry in ClinVar:

NM_021956.5(GRIK2):c.2537C>G (p.Ser846Cys)

Gene: GRIK2 (glutamate ionotropic receptor kainate type subunit 2; plus strand). Cytogenetic location: 6q16.3.
Variant type: single nucleotide variant.
Coding change: c.2537C>G on transcript NM_021956.5 (MANE Select); coding-DNA position 2537, C replaced by G.
Protein change: p.Ser846Cys; replaces serine 846 with cysteine.
Molecular consequence: missense variant.
Genome position (GRCh38, 1-based): chr6:102,055,555, C>G. VCF-style: chr6-102055555-C-G. GRCh37 (hg19) VCF-style: chr6-102503430-C-G.
Other names: c.2537C>G, p.Ser846Cys (NM_001166247.1, NM_175768.3); short protein forms S846C.
Identifiers: ClinVar variation 5002969 (VCV005002969.1).
Genomic context (GRCh38, chr6:102,055,555, plus strand): 5'-TTCTGGCAGCCGGCTTGGTGCTTTCAGTTTTTGTGGCAGTGGGAGAATTTTTATACAAAT[C>G]CAAAAAAAACGCTCAATTGGAAAAGGTAAATGTTACTTGTTTCAGTTTAAATTTAAAACA-3'
Protein context (NP_068775.1, residues 836-856): FVAVGEFLYK[Ser846Cys]KKNAQLEKRS

ClinVar aggregate classification (germline): Uncertain significance (1 of 4 stars; one submission).

gnomAD v4.1: 1 of 1,604,350 alleles (0.000062%); highest among the groups gnomAD compares: Admixed American, 0.0017%; no homozygotes.

Submission:

OLLIN Analises Genomicas, OLLIN
Classification: Uncertain significance. Last evaluated: 2026-08-06. Review status: criteria provided, single submitter. Criteria: ACMG Guidelines 2015 PMID 25741868. Collection method: clinical testing. Allele origin: germline.
Comment: This missense variant, located in exon 16 (of 17), has been observed in gnomAD with an allele frequency of 0.000062%, but has not been reported in ClinVar or identified in the literature. In silico analysis predicts that this variant has a tolerated effect. According to the currently available evidence, this variant has been classified as uncertain significance (PM2_P, BP4).